The following is an entry in ClinVar:

NM_173551.5(ANKS6):c.45C>T (p.Arg15=)

Gene: ANKS6 (ankyrin repeat and sterile alpha motif domain containing 6; minus strand). Cytogenetic location: 9q22.33.
Variant type: single nucleotide variant.
Coding change: c.45C>T on transcript NM_173551.5 (MANE Select); coding-DNA position 45, C replaced by T.
Protein change: p.Arg15=; no amino-acid change (arginine 15 retained).
Molecular consequence: synonymous variant.
Genome position (GRCh38, 1-based): chr9:98,796,447, G>A on the plus strand (C>T on the coding strand, the complement: ANKS6 is on the minus strand). VCF-style: chr9-98796447-G-A. GRCh37 (hg19) VCF-style: chr9-101558729-G-A.
Other names: c.45C>T (NM_173551.4).
Identifiers: ClinVar variation 2728753 (VCV002728753.4), dbSNP rs865796073, ClinGen allele CA196829337.

ClinVar aggregate classification (germline): Likely benign. Review status: criteria provided, multiple submitters, no conflicts (2 of 4 stars). 2 submissions from 2 submitters: Likely benign (2). Last evaluated 2026-07-02.

Conditions:
ANKS6-related disorder. Also called: ANKS6-related condition.
Nephronophthisis 16 (NPHP16). Identifiers: Orphanet 655, MedGen C3809320, MONDO:0014158, OMIM 615382.

Allele frequency attached by ClinVar (database versions not stated): TOPMed below 0.00001; gnomAD 0.00001; gnomAD exomes 0.00001.

Submissions (2):

PreventionGenetics, part of Exact Sciences
Classification: Likely benign for ANKS6-related condition. Last evaluated: 2026-07-02. Review status: criteria provided, single submitter. Criteria: ACMG Guidelines, 2015. Collection method: clinical testing. Allele origin: germline.
Comment: This variant is classified as likely benign based on ACMG/AMP sequence variant interpretation guidelines (Richards et al. 2015 PMID: 25741868, with internal and published modifications).

Labcorp Genetics (formerly Invitae), Labcorp
Classification: Likely benign for Nephronophthisis 16. Last evaluated: 2025-04-12. Review status: criteria provided, single submitter. Criteria: Invitae Variant Classification Sherloc (09022015). Collection method: clinical testing. Allele origin: germline.